The following is an entry in ClinVar:

ClinVar aggregate classification (germline): Pathogenic (1 of 4 stars; one submission).

Conditions:
Curry-Hall syndrome (WAD). Also called: WEYERS ACRODENTAL DYSOSTOSIS. Identifiers: Orphanet 952, MedGen C0457013, MONDO:0008673, OMIM 193530.
Ellis-van Creveld syndrome (EVC). Also called: Chondroectodermal dysplasia; MESOECTODERMAL DYSPLASIA; EVC-Related Ellis-van Creveld Syndrome; EVC2-Related Ellis-van Creveld Syndrome. Identifiers: Orphanet 289, MedGen C0013903, MONDO:0009162, OMIM 225500.

Submission:

Labcorp Genetics (formerly Invitae), Labcorp
Classification: Pathogenic for Curry-Hall syndrome; Ellis-van Creveld syndrome. Last evaluated: 2022-10-31. Review status: criteria provided, single submitter. Criteria: Invitae Variant Classification Sherloc (09022015). Collection method: clinical testing. Allele origin: germline.
Comment: For these reasons, this variant has been classified as Pathogenic. ClinVar contains an entry for this variant (Variation ID: 1076398). This variant has not been reported in the literature in individuals affected with EVC2-related conditions. This variant is not present in population databases (gnomAD no frequency). This sequence change creates a premature translational stop signal (p.Lys85*) in the EVC2 gene. It is expected to result in an absent or disrupted protein product. Loss-of-function variants in EVC2 are known to be pathogenic (PMID: 17024374, 19810119, 19876929).

Literature cited by the submitters: PubMed 17024374; PubMed 19810119; PubMed 19876929.

NM_147127.5(EVC2):c.253A>T (p.Lys85Ter)

Gene: EVC2 (EvC ciliary complex subunit 2; minus strand). Cytogenetic location: 4p16.2.
Variant type: single nucleotide variant.
Coding change: c.253A>T on transcript NM_147127.5 (MANE Select); coding-DNA position 253, A replaced by T.
Protein change: p.Lys85Ter; replaces lysine 85 with a stop codon.
Molecular consequence: nonsense.
Genome position (GRCh38, 1-based): chr4:5,697,623, T>A on the plus strand (A>T on the coding strand, the complement: EVC2 is on the minus strand). VCF-style: chr4-5697623-T-A. GRCh37 (hg19) VCF-style: chr4-5699350-T-A.
Other names: c.13A>T, p.Lys5Ter (NM_001166136.2); short protein forms K5*, K85*.
Identifiers: ClinVar variation 1076398 (VCV001076398.8), dbSNP rs2151739558, ClinGen allele CA356152203.
Genomic context (GRCh38, chr4:5,697,623, plus strand): 5'-AGGGGAACATCAACCAGAAGAAAAACTCACCTGCAGTCTTAAAGTGACAGCATTCCACTT[T>A]GGGCCAAATCATACAGGGCAAGTCCTAAAAAATTCAAGACACAAAGTCATTAATGGAACA-3'